The following is an entry in ClinVar:

NM_006210.3(PEG3):c.3130G>A (p.Glu1044Lys)

Genes: PEG3 (paternally expressed 3; minus strand), ZIM2 (zinc finger imprinted 2; minus strand). Cytogenetic location: 19q13.43.
Variant type: single nucleotide variant.
Coding change: c.3130G>A on transcript NM_006210.3 (MANE Select); coding-DNA position 3130, G replaced by A.
Protein change: p.Glu1044Lys; replaces glutamic acid 1044 with lysine.
Molecular consequence: missense variant. On other transcripts: intron variant (11).
Genome position (GRCh38, 1-based): chr19:56,815,312, C>T on the plus strand (G>A on the coding strand, the complement: PEG3 is on the minus strand). VCF-style: chr19-56815312-C-T. GRCh37 (hg19) VCF-style: chr19-57326680-C-T.
Other names: NM_001146186.1:c.3130G>A; c.3130G>A, p.Glu1044Lys (NM_001146184.2); c.2752G>A, p.Glu918Lys (NM_001146185.2); c.2758G>A, p.Glu920Lys (NM_001146187.2, NM_001369720.1, NM_001369721.1 and 13 more transcripts); c.3136G>A, p.Glu1046Lys (NM_001369717.1, NM_001369718.1); c.3043G>A, p.Glu1015Lys (NM_001369719.1); c.2665G>A, p.Glu889Lys (NM_001369734.1, NM_001369735.1, NM_001369736.1 and 2 more transcripts); c.397+3288G>A (NM_015363.5, NM_001387358.1, NM_001146326.2 and 5 more transcripts); and 1 more; short protein forms E1015K, E1044K, E1046K, E889K, E918K, E920K.
Identifiers: ClinVar variation 3042927 (VCV003042927.2), dbSNP rs200998688, ClinGen allele CA9693297.

ClinVar aggregate classification (germline): Likely benign (0 of 4 stars; one submission).

Conditions:
PEG3-related disorder. Also called: PEG3-related condition.

Allele frequency attached by ClinVar (database versions not stated): ESP Exome Variant Server 0.00008; TOPMed 0.00026; gnomAD 0.00028; gnomAD exomes 0.00041; ExAC 0.00056; 1000 Genomes Project 30x 0.00078; 1000 Genomes Project 0.00080.
gnomAD v4.1: 642 of 1,614,236 alleles (0.04%); highest among the groups gnomAD compares: South Asian, 0.26%; 5 homozygotes.

Submission:

PreventionGenetics, part of Exact Sciences
Classification: Likely benign for PEG3-related condition. Last evaluated: 2023-05-02. Review status: no assertion criteria provided. Collection method: clinical testing. Allele origin: germline.
Comment: This variant is classified as likely benign based on ACMG/AMP sequence variant interpretation guidelines (Richards et al. 2015 PMID: 25741868, with internal and published modifications).